The following is an entry in ClinVar:

NM_004239.4(TRIP11):c.1774C>T (p.Leu592=)

Gene: TRIP11 (thyroid hormone receptor interactor 11; minus strand). Cytogenetic location: 14q32.12.
Variant type: single nucleotide variant.
Coding change: c.1774C>T on transcript NM_004239.4 (MANE Select); coding-DNA position 1774, C replaced by T.
Protein change: p.Leu592=; no amino-acid change (leucine 592 retained).
Molecular consequence: synonymous variant.
Genome position (GRCh38, 1-based): chr14:92,006,202, G>A on the plus strand (C>T on the coding strand, the complement: TRIP11 is on the minus strand). VCF-style: chr14-92006202-G-A. GRCh37 (hg19) VCF-style: chr14-92472546-G-A.
Other names: c.1771C>T, p.Leu591= (NM_001321851.1).
Identifiers: ClinVar variation 314966 (VCV000314966.21), dbSNP rs199768095, ClinGen allele CA7313876.
Genomic context (GRCh38, chr14:92,006,202, plus strand): 5'-GCTCCTTAAGTTCTAAATTCTCCTTCTGGATGCTTACATTACTTTCTTGTGATTTATTTA[G>A]CTGATCTACTAAATTTTCTACTTTGTCCTCAAGTTTCTGCTTGGTTAAATGTAAATCATT-3'
Protein context (NP_004230.2, residues 582-602): EDKVENLVDQ[Leu592=]NKSQESNVSI

ClinVar aggregate classification (germline): Conflicting classifications of pathogenicity. Review status: criteria provided, conflicting classifications (1 of 4 stars). 4 submissions from 4 submitters: Uncertain significance (2); Benign (1). 1 of the submissions does not count toward it. Last evaluated 2025-09-09.

Conditions:
TRIP11-related disorder. Also called: TRIP11-Related Disorders; TRIP11-related condition.
Achondrogenesis, type IA (ACG1A). Identifiers: Orphanet 932, Orphanet 93299, MedGen C0265273, MONDO:0008701, OMIM 200600.

Allele frequency attached by ClinVar (database versions not stated): gnomAD exomes 0.00016 and 0.00005; 1000 Genomes Project 0.00020; gnomAD 0.00025 and 0.00026; TOPMed 0.00026; ESP Exome Variant Server 0.00008; ExAC 0.00012; 1000 Genomes Project 30x 0.00016.
gnomAD v4.1: 127 of 1,613,040 alleles (0.0079%); highest among the groups gnomAD compares: Admixed American, 0.11%; 1 homozygote.

Submissions (4):

Labcorp Genetics (formerly Invitae), Labcorp
Classification: Benign for Achondrogenesis, type IA. Last evaluated: 2025-09-09. Review status: criteria provided, single submitter. Criteria: Invitae Variant Classification Sherloc (09022015). Collection method: clinical testing. Allele origin: germline.

Eurofins Ntd Llc (ga)
Classification: Uncertain significance. Last evaluated: 2018-01-23. Review status: criteria provided, single submitter. Criteria: EGL Classification Definitions 2015. Collection method: clinical testing. Allele origin: germline. Observed: 1 variant allele, 1 heterozygote.

Illumina Laboratory Services, Illumina
Classification: Uncertain significance for Achondrogenesis, type IA. Last evaluated: 2018-01-12. Review status: criteria provided, single submitter. Criteria: ICSL Variant Classification Criteria 13 December 2019. Collection method: clinical testing. Allele origin: germline.

PreventionGenetics, part of Exact Sciences
Classification: Likely benign for TRIP11-related condition. Last evaluated: 2019-06-13. Review status: no assertion criteria provided. Collection method: clinical testing. Allele origin: germline. Not counted in ClinVar's aggregate classification.
Comment: This variant is classified as likely benign based on ACMG/AMP sequence variant interpretation guidelines (Richards et al. 2015 PMID: 25741868, with internal and published modifications).